The following is an entry in ClinVar:

ClinVar aggregate classification (germline): Likely pathogenic (1 of 4 stars; one submission).

Conditions:
Pseudopseudohypoparathyroidism (PPHP). Also called: Pseudopseudohypoparathyroidism (PPHP); ALBRIGHT HEREDITARY OSTEODYSTROPHY WITHOUT MULTIPLE HORMONE RESISTANCE. Identifiers: Orphanet 79445, MedGen C0033835, MONDO:0012912, OMIM 612463.

Submission:

Johns Hopkins Genomics, Johns Hopkins University
Classification: Likely pathogenic for Pseudopseudohypoparathyroidism. Last evaluated: 2020-10-12. Review status: criteria provided, single submitter. Criteria: ACMG Guidelines, 2015. Collection method: clinical testing. Allele origin: germline.
Comment: GNAS c.257+197_531-8del results in the deletion of exons 4-6 and is absent from large population datasets. This variant has not been reported to ClinVar nor the literature to our knowledge. Other rare, multi-exon deletions in GNAS have been identified in individuals with PHP1a or PPHP. We consider this variant to be likely pathogenic.

Literature cited by the submitters: PubMed 25594858.

NM_000516.7(GNAS):c.257+197_531-8del

Genes: GNAS (GNAS complex locus; plus strand), LOC130066270 (ATAC-STARR-seq lymphoblastoid active region 18180; plus strand). Cytogenetic location: 20q13.32.
Variant type: Deletion.
Coding change: c.257+197_531-8del on transcript NM_000516.7 (MANE Select); 197 bases into the intron after coding-DNA position 257 through 8 bases into the intron before coding-DNA position 531, 9,973 bases deleted.
Molecular consequence: splice acceptor variant, splice donor variant.
Genome position (GRCh38, 1-based): chr20:58,899,182-58,909,154, 9,973 bases deleted. GRCh37 (hg19): chr20:57,474,237-57,484,209.
Other names: c.*160+197_*437-8del (NM_016592.5); c.80+197_354-8del (NM_001309861.2, NM_001309840.2); c.*118+197_*392-8del (NM_001077490.3); c.2186+197_2460-8del (NM_080425.4); c.257+197_534-8del (NM_001077488.5); c.212+3498_489-8del (NM_080426.4); c.212+3498_486-8del (NM_001077489.4).
Identifiers: ClinVar variation 981521 (VCV000981521.1), ClinGen allele CA1139666754.